The following is an entry in ClinVar:

ClinVar aggregate classification (germline): Uncertain significance (1 of 4 stars; one submission).

Conditions:
Inborn genetic diseases. Identifiers: MedGen C0950123, MeSH D030342.

Submission:

Ambry Genetics
Classification: Uncertain significance for Inborn genetic diseases. Last evaluated: 2025-09-19. Review status: criteria provided, single submitter. Criteria: Ambry Variant Classification Scheme 2023. Collection method: clinical testing. Allele origin: germline.
Comment: The p.P179A variant (also known as c.535C>G), located in coding exon 4 of the HAX1 gene, results from a C to G substitution at nucleotide position 535. The proline at codon 179 is replaced by alanine, an amino acid with highly similar properties. This amino acid position is conserved. In addition, this alteration is predicted to be tolerated by in silico analysis. Based on the available evidence, the clinical significance of this variant remains unclear.

NM_006118.4(HAX1):c.535C>G (p.Pro179Ala)

Gene: HAX1 (HCLS1 associated protein X-1; plus strand). Cytogenetic location: 1q21.3.
Variant type: single nucleotide variant.
Coding change: c.535C>G on transcript NM_006118.4 (MANE Select); coding-DNA position 535, C replaced by G.
Protein change: p.Pro179Ala; replaces proline 179 with alanine.
Molecular consequence: missense variant.
Genome position (GRCh38, 1-based): chr1:154,274,980, C>G. VCF-style: chr1-154274980-C-G. GRCh37 (hg19) VCF-style: chr1-154247456-C-G.
Other names: c.391C>G, p.Pro131Ala (NM_001018837.2); short protein forms P131A, P179A.
Identifiers: ClinVar variation 4621322 (VCV004621322.1).
Genomic context (GRCh38, chr1:154,274,980, plus strand): 5'-TCTTTTCACTTACTATGGTTTCTTCTGCAGTTTGATGATGTATGGCCTATGGACCCCCAT[C>G]CTAGAACCAGAGAGGACAATGGTAAGTCTGGAGGAAGGGGAAGTTTACCAGCCTTTTGTT-3'
Protein context (NP_006109.2, residues 169-189): FDDVWPMDPH[Pro179Ala]RTREDNDLDS